The following is an entry in ClinVar:

NM_001943.5(DSG2):c.1476C>T (p.Ile492=)

Gene: DSG2 (desmoglein 2; plus strand). Cytogenetic location: 18q12.1.
Variant type: single nucleotide variant.
Coding change: c.1476C>T on transcript NM_001943.5 (MANE Select); coding-DNA position 1476, C replaced by T.
Protein change: p.Ile492=; no amino-acid change (isoleucine 492 retained).
Molecular consequence: synonymous variant.
Genome position (GRCh38, 1-based): chr18:31,536,254, C>T. VCF-style: chr18-31536254-C-T. GRCh37 (hg19) VCF-style: chr18-29116217-C-T.
Identifiers: ClinVar variation 923093 (VCV000923093.3), dbSNP rs2073229563, ClinGen allele CA503600693.

ClinVar aggregate classification (germline): Likely benign. Review status: criteria provided, multiple submitters, no conflicts (2 of 4 stars). 2 submissions from 2 submitters: Likely benign (2). Last evaluated 2023-05-15.

Conditions:
Arrhythmogenic right ventricular cardiomyopathy (ARVD). Also called: Arrhythmogenic cardiomyopathy; Cardiomyopathy, ARVC; Arrhythmogenic right ventricular dysplasia; Arrhythmogenic Right Ventricular Cardiomyopathy (ARVC). Identifiers: Orphanet 247, MedGen C0349788, MeSH D019571, MONDO:0016587. Disease mechanism: loss of function. Inheritance: Various modes of inheritance.
Cardiomyopathy (CMYO). Also called: Cardiomyopathies. Identifiers: Orphanet 167848, MedGen C0878544, MONDO:0004994, HP:0001638. Inheritance: Various modes of inheritance.

Submissions (2):

All of Us Research Program, National Institutes of Health
Classification: Likely benign for Arrhythmogenic right ventricular cardiomyopathy. Last evaluated: 2023-05-15. Review status: criteria provided, single submitter. Criteria: ACMG Guidelines, 2015. Collection method: clinical testing. Allele origin: germline. Inheritance: Autosomal dominant inheritance. Observed: 2 variant alleles, 2 heterozygotes.
Comment: This study involves interpretation of variants in research participants for the purpose of population health screening. Participant phenotype was not available at the time of variant classification. Additional details can be found in publication PMID: 35346344, PMCID: PMC8962531

Color Diagnostics, LLC DBA Color Health
Classification: Likely benign for Cardiomyopathy. Last evaluated: 2019-09-30. Review status: criteria provided, single submitter. Criteria: ACMG Guidelines, 2015. Collection method: clinical testing. Allele origin: germline.